The following is an entry in ClinVar:

ClinVar aggregate classification (germline): Uncertain significance (1 of 4 stars; one submission).

Conditions:
Infantile spasms. Also called: Infantile spasm. Identifiers: MedGen C3887898, HP:0012469.

Allele frequency attached by ClinVar (database versions not stated): gnomAD exomes 0.00001; TOPMed 0.00001; gnomAD 0.00002; ExAC 0.00003.
gnomAD v4.1: 19 of 1,613,014 alleles (0.0012%); highest among the groups gnomAD compares: Middle Eastern, 0.016%; no homozygotes.

Submission:

Labcorp Genetics (formerly Invitae), Labcorp
Classification: Uncertain significance for Infantile spasms. Last evaluated: 2024-11-05. Review status: criteria provided, single submitter. Criteria: Invitae Variant Classification Sherloc (09022015). Collection method: clinical testing. Allele origin: germline.
Comment: This sequence change replaces serine, which is neutral and polar, with arginine, which is basic and polar, at codon 466 of the PIK3AP1 protein (p.Ser466Arg). This variant is present in population databases (rs765123457, gnomAD 0.004%). This variant has not been reported in the literature in individuals affected with PIK3AP1-related conditions. ClinVar contains an entry for this variant (Variation ID: 3021294). An algorithm developed to predict the effect of missense changes on protein structure and function (PolyPhen-2) suggests that this variant is likely to be tolerated. In summary, the available evidence is currently insufficient to determine the role of this variant in disease. Therefore, it has been classified as a Variant of Uncertain Significance.

NM_152309.3(PIK3AP1):c.1398T>G (p.Ser466Arg)

Gene: PIK3AP1 (phosphoinositide-3-kinase adaptor protein 1; minus strand). Cytogenetic location: 10q24.1.
Variant type: single nucleotide variant.
Coding change: c.1398T>G on transcript NM_152309.3 (MANE Select); coding-DNA position 1398, T replaced by G.
Protein change: p.Ser466Arg; replaces serine 466 with arginine.
Molecular consequence: missense variant.
Genome position (GRCh38, 1-based): chr10:96,628,471, A>C on the plus strand (T>G on the coding strand, the complement: PIK3AP1 is on the minus strand). VCF-style: chr10-96628471-A-C. GRCh37 (hg19) VCF-style: chr10-98388228-A-C.
Other names: short protein forms S466R.
Identifiers: ClinVar variation 3021294 (VCV003021294.3), dbSNP rs765123457, ClinGen allele CA5626262.